The following is an entry in ClinVar:

ClinVar aggregate classification (germline): Uncertain significance (1 of 4 stars; one submission).

gnomAD v4.1: 1 of 1,613,794 alleles (0.000062%); highest among the groups gnomAD compares: Non-Finnish European, 0.000085%; no homozygotes.

Submission:

GeneDx
Classification: Uncertain significance. Last evaluated: 2026-03-18. Review status: criteria provided, single submitter. Criteria: GeneDx Variant Classification Process June 2021. Collection method: clinical testing. Allele origin: germline.
Comment: Not observed at significant frequency in large population cohorts (gnomAD); Has not been previously published as pathogenic or benign to our knowledge; Canonical splice site variant in a gene for which loss of function is not an established mechanism of disease

NM_021076.4(NEFH):c.884-1G>C

Gene: NEFH (neurofilament heavy chain; plus strand). Cytogenetic location: 22q12.2.
Variant type: single nucleotide variant.
Coding change: c.884-1G>C on transcript NM_021076.4 (MANE Select); the canonical splice acceptor site of the intron before coding-DNA position 884, G replaced by C.
Molecular consequence: splice acceptor variant.
Genome position (GRCh38, 1-based): chr22:29,483,374, G>C. VCF-style: chr22-29483374-G-C. GRCh37 (hg19) VCF-style: chr22-29879363-G-C.
Identifiers: ClinVar variation 5009467 (VCV005009467.1).